The following is an entry in ClinVar:

NM_013262.4(MYLIP):c.1007T>C (p.Val336Ala)

Gene: MYLIP (myosin regulatory light chain interacting protein; plus strand). Cytogenetic location: 6p22.3.
Variant type: single nucleotide variant.
Coding change: c.1007T>C on transcript NM_013262.4 (MANE Select); coding-DNA position 1007, T replaced by C.
Protein change: p.Val336Ala; replaces valine 336 with alanine.
Molecular consequence: missense variant.
Genome position (GRCh38, 1-based): chr6:16,145,076, T>C. VCF-style: chr6-16145076-T-C. GRCh37 (hg19) VCF-style: chr6-16145307-T-C.
Other names: c.842T>C, p.Val281Ala (NM_001436627.1); short protein forms V336A, V281A.
Identifiers: ClinVar variation 4775924 (VCV004775924.1).

ClinVar aggregate classification (germline): Uncertain significance (1 of 4 stars; one submission).

gnomAD v4.1: 1 of 1,614,198 alleles (0.000062%); highest among the groups gnomAD compares: Non-Finnish European, 0.000085%; no homozygotes.

Submission:

Labcorp Genetics (formerly Invitae), Labcorp
Classification: Uncertain significance. Last evaluated: 2025-11-18. Review status: criteria provided, single submitter. Criteria: Invitae Variant Classification Sherloc (09022015). Collection method: clinical testing. Allele origin: germline.
Comment: This sequence change replaces valine, which is neutral and non-polar, with alanine, which is neutral and non-polar, at codon 336 of the MYLIP protein (p.Val336Ala). This variant is not present in population databases (gnomAD no frequency). This variant has not been reported in the literature in individuals affected with MYLIP-related conditions. An algorithm developed to predict the effect of missense changes on protein structure and function (PolyPhen-2) suggests that this variant is likely to be tolerated. In summary, the available evidence is currently insufficient to determine the role of this variant in disease. Therefore, it has been classified as a Variant of Uncertain Significance.